The following is an entry in ClinVar:

NM_020706.2(SCAF4):c.1021T>C (p.Phe341Leu)

Gene: SCAF4 (SR-related CTD associated factor 4; minus strand). Cytogenetic location: 21q22.11.
Variant type: single nucleotide variant.
Coding change: c.1021T>C on transcript NM_020706.2 (MANE Select); coding-DNA position 1021, T replaced by C.
Protein change: p.Phe341Leu; replaces phenylalanine 341 with leucine.
Molecular consequence: missense variant.
Genome position (GRCh38, 1-based): chr21:31,696,160, A>G on the plus strand (T>C on the coding strand, the complement: SCAF4 is on the minus strand). VCF-style: chr21-31696160-A-G. GRCh37 (hg19) VCF-style: chr21-33068473-A-G.
Other names: c.976T>C, p.Phe326Leu (NM_001145444.1); c.1021T>C, p.Phe341Leu (NM_001145445.1); short protein forms F326L, F341L.
Identifiers: ClinVar variation 3770688 (VCV003770688.13).

ClinVar aggregate classification (germline): Likely benign (1 of 4 stars; one submission).

gnomAD v4.1: 5,306 of 1,613,900 alleles (0.33%); highest among the groups gnomAD compares: Non-Finnish European, 0.37%; 6 homozygotes.

Submission:

CeGaT Center for Human Genetics Tuebingen
Classification: Likely benign. Last evaluated: 2026-08-01. Review status: criteria provided, single submitter. Criteria: CeGaT Center For Human Genetics Tuebingen Variant Classification Criteria Version 2. Collection method: clinical testing. Allele origin: germline. Affected: yes. Observed: 5 variant alleles.
Comment: SCAF4: BS1